The following is an entry in ClinVar:

NM_001458.5(FLNC):c.6148G>A (p.Gly2050Arg)

Genes: FLNC-AS1 (FLNC antisense RNA 1; minus strand), FLNC (filamin C; plus strand). Cytogenetic location: 7q32.1.
Variant type: single nucleotide variant.
Coding change: c.6148G>A on transcript NM_001458.5 (MANE Select); coding-DNA position 6148, G replaced by A.
Protein change: p.Gly2050Arg; replaces glycine 2050 with arginine.
Molecular consequence: missense variant.
Genome position (GRCh38, 1-based): chr7:128,852,971, G>A. VCF-style: chr7-128852971-G-A. GRCh37 (hg19) VCF-style: chr7-128493025-G-A.
Other names: c.6049G>A, p.Gly2017Arg (NM_001127487.2); short protein forms G2017R, G2050R.
Identifiers: ClinVar variation 650037 (VCV000650037.9), dbSNP rs1585168103, ClinGen allele CA369211423.

ClinVar aggregate classification (germline): Uncertain significance (1 of 4 stars; one submission).

Conditions:
Hypertrophic cardiomyopathy 26. Also called: Cardiomyopathy, familial hypertrophic, 26. Identifiers: Orphanet 75249, MedGen C4310749, MONDO:0014883, OMIM 617047.
Myofibrillar myopathy 5. Also called: Filaminopathy (type); FILAMINOPATHY, AUTOSOMAL DOMINANT. Identifiers: Orphanet 171445, MedGen C1836050, MONDO:0012289, OMIM 609524.
Distal myopathy with posterior leg and anterior hand involvement. Also called: WILLIAMS DISTAL MYOPATHY. Identifiers: Orphanet 63273, MedGen C3279722, MONDO:0013550, OMIM 614065.

Submission:

Labcorp Genetics (formerly Invitae), Labcorp
Classification: Uncertain significance for Distal myopathy with posterior leg and anterior hand involvement; Myofibrillar myopathy 5; Hypertrophic cardiomyopathy 26. Last evaluated: 2018-08-12. Review status: criteria provided, single submitter. Criteria: Invitae Variant Classification Sherloc (09022015). Collection method: clinical testing. Allele origin: germline.
Comment: This sequence change replaces glycine with arginine at codon 2050 of the FLNC protein (p.Gly2050Arg). The glycine residue is highly conserved and there is a moderate physicochemical difference between glycine and arginine. This variant is not present in population databases (ExAC no frequency). This variant has not been reported in the literature in individuals with FLNC-related disease. Algorithms developed to predict the effect of missense changes on protein structure and function are either unavailable or do not agree on the potential impact of this missense change (SIFT: "Deleterious"; PolyPhen-2: "Probably Damaging"; Align-GVGD: "Class C15"). In summary, the available evidence is currently insufficient to determine the role of this variant in disease. Therefore, it has been classified as a Variant of Uncertain Significance.